The following is an entry in ClinVar:

ClinVar aggregate classification (germline): Uncertain significance (1 of 4 stars; one submission).

gnomAD v4.1: 1 of 1,578,182 alleles (0.000063%); highest among the groups gnomAD compares: Admixed American, 0.0019%; no homozygotes.

Submission:

Labcorp Genetics (formerly Invitae), Labcorp
Classification: Uncertain significance. Last evaluated: 2024-10-31. Review status: criteria provided, single submitter. Criteria: Invitae Variant Classification Sherloc (09022015). Collection method: clinical testing. Allele origin: germline.
Comment: This sequence change creates a premature translational stop signal (p.Glu504*) in the PLEKHM2 gene. It is expected to result in an absent or disrupted protein product. However, the current clinical and genetic evidence is not sufficient to establish whether loss-of-function variants in PLEKHM2 cause disease. The frequency data for this variant in the population databases is considered unreliable, as metrics indicate poor data quality at this position in the gnomAD database. This variant has not been reported in the literature in individuals affected with PLEKHM2-related conditions. In summary, the available evidence is currently insufficient to determine the role of this variant in disease. Therefore, it has been classified as a Variant of Uncertain Significance.

NM_015164.4(PLEKHM2):c.1510G>T (p.Glu504Ter)

Gene: PLEKHM2 (pleckstrin homology and RUN domain containing M2; plus strand). Cytogenetic location: 1p36.21.
Variant type: single nucleotide variant.
Coding change: c.1510G>T on transcript NM_015164.4 (MANE Select); coding-DNA position 1510, G replaced by T.
Protein change: p.Glu504Ter; replaces glutamic acid 504 with a stop codon.
Molecular consequence: nonsense.
Genome position (GRCh38, 1-based): chr1:15,727,582, G>T. VCF-style: chr1-15727582-G-T. GRCh37 (hg19) VCF-style: chr1-16054077-G-T.
Other names: c.1450G>T, p.Glu484Ter (NM_001410755.1); short protein forms E504*, E484*.
Identifiers: ClinVar variation 3676514 (VCV003676514.2).
Genomic context (GRCh38, chr1:15,727,582, plus strand): 5'-CCTGCAGGGCTTGGCCAACCGCTGCATGTTCCTAGTAGCCCTGAGGCTGCTGGCCAAGAA[G>T]AAGAGGGAGGAGGAGGAGAGGGACAGACGCCTCGGCCCCTAGAGGATACCACGAGGGAGG-3'